The following is an entry in ClinVar:

ClinVar aggregate classification (germline): Likely benign. Review status: criteria provided, single submitter (1 of 4 stars). 2 submissions from 2 submitters: Likely benign (1). 1 of the submissions does not count toward it. Last evaluated 2018-06-07.

Conditions:
GATM-related disorder. Also called: GATM-related condition.

Allele frequency attached by ClinVar (database versions not stated): ExAC below 0.00001; gnomAD 0.00006; gnomAD exomes 0.00023; TOPMed 0.00025.

Submissions (2):

GeneDx
Classification: Likely benign. Last evaluated: 2018-06-07. Review status: criteria provided, single submitter. Criteria: GeneDx Variant Classification Process June 2021. Collection method: clinical testing. Allele origin: germline. Affected: yes.

PreventionGenetics, part of Exact Sciences
Classification: Likely benign for GATM-related condition. Last evaluated: 2021-03-30. Review status: no assertion criteria provided. Collection method: clinical testing. Allele origin: germline. Not counted in ClinVar's aggregate classification.
Comment: This variant is classified as likely benign based on ACMG/AMP sequence variant interpretation guidelines (Richards et al. 2015 PMID: 25741868, with internal and published modifications).

NM_001482.3(GATM):c.-9G>T

Genes: GATM (glycine amidinotransferase; minus strand), LOC130056991 (ATAC-STARR-seq lymphoblastoid silent region 6406; plus strand). Cytogenetic location: 15q21.1.
Variant type: single nucleotide variant.
Coding change: c.-9G>T on transcript NM_001482.3 (MANE Select); 9 bases upstream of the start codon, G replaced by T.
Molecular consequence: 5 prime UTR variant. On other transcripts: intron variant (1).
Genome position (GRCh38, 1-based): chr15:45,378,462, C>A on the plus strand (G>T on the coding strand, the complement: GATM is on the minus strand). VCF-style: chr15-45378462-C-A. GRCh37 (hg19) VCF-style: chr15-45670660-C-A.
Other names: c.-318-1643G>T (NM_001321015.2).
Identifiers: ClinVar variation 377914 (VCV000377914.6), dbSNP rs750228246, ClinGen allele CA7543027.